The following is an entry in ClinVar:

NM_000466.3(PEX1):c.611G>A (p.Arg204Lys)

Gene: PEX1 (peroxisomal biogenesis factor 1; minus strand). Cytogenetic location: 7q21.2.
Variant type: single nucleotide variant.
Coding change: c.611G>A on transcript NM_000466.3 (MANE Select); coding-DNA position 611, G replaced by A.
Protein change: p.Arg204Lys; replaces arginine 204 with lysine.
Molecular consequence: missense variant. On other transcripts: 5 prime UTR variant (1).
Genome position (GRCh38, 1-based): chr7:92,517,904, C>T on the plus strand (G>A on the coding strand, the complement: PEX1 is on the minus strand). VCF-style: chr7-92517904-C-T. GRCh37 (hg19) VCF-style: chr7-92147218-C-T.
Other names: c.611G>A, p.Arg204Lys (NM_001282677.2); c.-14G>A (NM_001282678.2); short protein forms R204K.
Identifiers: ClinVar variation 596973 (VCV000596973.10), dbSNP rs369126779, ClinGen allele CA4341568.

ClinVar aggregate classification (germline): Uncertain significance. Review status: criteria provided, multiple submitters, no conflicts (2 of 4 stars). 3 submissions from 3 submitters: Uncertain significance (3). Last evaluated 2022-07-31.

Conditions:
Zellweger spectrum disorders (ZS). Also called: Zellweger Spectrum Disorder; Zellweger Spectrum; Zellweger Spectrum Disorder (ZSD); Zellweger syndrome. Identifiers: Orphanet 912, MedGen C0043459, MONDO:0019609.

Allele frequency attached by ClinVar (database versions not stated): gnomAD exomes below 0.00001; ExAC 0.00001; gnomAD 0.00003 and 0.00004; TOPMed 0.00003; ESP Exome Variant Server 0.00008.
gnomAD v4.1: 8 of 1,568,176 alleles (0.00051%); highest among the groups gnomAD compares: African/African-American, 0.0082%; no homozygotes.

Submissions (3):

Labcorp Genetics (formerly Invitae), Labcorp
Classification: Uncertain significance for Zellweger spectrum disorders. Last evaluated: 2022-07-31. Review status: criteria provided, single submitter. Criteria: Invitae Variant Classification Sherloc (09022015). Collection method: clinical testing. Allele origin: germline.
Comment: Advanced modeling of protein sequence and biophysical properties (such as structural, functional, and spatial information, amino acid conservation, physicochemical variation, residue mobility, and thermodynamic stability) performed at Invitae indicates that this missense variant is not expected to disrupt PEX1 protein function. In summary, the available evidence is currently insufficient to determine the role of this variant in disease. Therefore, it has been classified as a Variant of Uncertain Significance. This variant is present in population databases (rs369126779, gnomAD 0.01%). This sequence change replaces arginine, which is basic and polar, with lysine, which is basic and polar, at codon 204 of the PEX1 protein (p.Arg204Lys). This variant has not been reported in the literature in individuals affected with PEX1-related conditions. ClinVar contains an entry for this variant (Variation ID: 596973).

Eurofins Ntd Llc (ga)
Classification: Uncertain significance. Last evaluated: 2018-04-24. Review status: criteria provided, single submitter. Criteria: EGL ClinVar v180209 classification definitions. Collection method: clinical testing. Allele origin: germline. Observed: 1 variant allele, 1 heterozygote.

Breakthrough Genomics
Classification: Uncertain significance. Review status: criteria provided, single submitter. Criteria: ACMG Guidelines, 2015. Collection method: not provided. Allele origin: germline. Inheritance: Autosomal recessive inheritance. Affected: yes.